The following is an entry in ClinVar:

ClinVar aggregate classification (germline): Uncertain significance (1 of 4 stars; one submission).

Allele frequency attached by ClinVar (database versions not stated): gnomAD exomes below 0.00001.
gnomAD v4.1: 2 of 1,613,848 alleles (0.00012%); highest among the groups gnomAD compares: Non-Finnish European, 0.00017%; no homozygotes.

Submission:

Quest Diagnostics Nichols Institute San Juan Capistrano
Classification: Uncertain significance. Last evaluated: 2023-07-14. Review status: criteria provided, single submitter. Criteria: Quest Diagnostics criteria. Collection method: clinical testing. Allele origin: unknown.
Comment: In the published literature, this variant has been reported in a review of Fanconi Anemia variants (PMID: 15643609 (2005)). This variant has not been reported in large, multi-ethnic general populations (Genome Aggregation Database). Analysis of this variant using software algorithms for the prediction of the effect of nucleotide changes on FANCA mRNA splicing yielded inconclusive findings . Based on the available information, we are unable to determine the clinical significance of this variant.

Literature cited by the submitters: PubMed 15643609.

NM_000135.4(FANCA):c.1566+3A>G

Gene: FANCA (FA complementation group A; minus strand). Cytogenetic location: 16q24.3.
Variant type: single nucleotide variant.
Coding change: c.1566+3A>G on transcript NM_000135.4 (MANE Select); 3 bases into the intron after coding-DNA position 1566, A replaced by G.
Molecular consequence: intron variant.
Genome position (GRCh38, 1-based): chr16:89,783,004, T>C on the plus strand (A>G on the coding strand, the complement: FANCA is on the minus strand). VCF-style: chr16-89783004-T-C. GRCh37 (hg19) VCF-style: chr16-89849412-T-C.
Other names: c.1566+3A>G (NM_001286167.3).
Identifiers: ClinVar variation 2681892 (VCV002681892.1), dbSNP rs2039773398, ClinGen allele CA2576102291.